The following is an entry in ClinVar:

ClinVar aggregate classification (germline): Uncertain significance (1 of 4 stars; one submission).

Allele frequency attached by ClinVar (database versions not stated): gnomAD exomes below 0.00001.

Submission:

Labcorp Genetics (formerly Invitae), Labcorp
Classification: Uncertain significance. Last evaluated: 2024-03-27. Review status: criteria provided, single submitter. Criteria: Invitae Variant Classification Sherloc (09022015). Collection method: clinical testing. Allele origin: germline.
Comment: This sequence change replaces methionine, which is neutral and non-polar, with valine, which is neutral and non-polar, at codon 1407 of the C3 protein (p.Met1407Val). This variant is present in population databases (no rsID available, gnomAD 0.0009%). This variant has not been reported in the literature in individuals affected with C3-related conditions. ClinVar contains an entry for this variant (Variation ID: 2128160). Advanced modeling of protein sequence and biophysical properties (such as structural, functional, and spatial information, amino acid conservation, physicochemical variation, residue mobility, and thermodynamic stability) performed at Invitae indicates that this missense variant is expected to disrupt C3 protein function with a positive predictive value of 80%. In summary, the available evidence is currently insufficient to determine the role of this variant in disease. Therefore, it has been classified as a Variant of Uncertain Significance.

NM_000064.4(C3):c.4219A>G (p.Met1407Val)

Gene: C3 (complement C3; minus strand). Cytogenetic location: 19p13.3.
Variant type: single nucleotide variant.
Coding change: c.4219A>G on transcript NM_000064.4 (MANE Select); coding-DNA position 4219, A replaced by G.
Protein change: p.Met1407Val; replaces methionine 1407 with valine.
Molecular consequence: missense variant.
Genome position (GRCh38, 1-based): chr19:6,682,183, T>C on the plus strand (A>G on the coding strand, the complement: C3 is on the minus strand). VCF-style: chr19-6682183-T-C. GRCh37 (hg19) VCF-style: chr19-6682194-T-C.
Other names: short protein forms M1407V.
Identifiers: ClinVar variation 2128160 (VCV002128160.4), dbSNP rs1457561842, ClinGen allele CA403615414.
Genomic context (GRCh38, chr19:6,682,183, plus strand): 5'-GCTCCTGAGCCCTTCATACCTGCTTCAGGTCATCTGTGTCTGGAGCAAAGCCAGTCATCA[T>C]GGATATGTCCAATATAGACATAGTGGCATCCTGGTCTCCCCGGTACCTGGATAGTGCAGA-3'
Protein context (NP_000055.2, residues 1397-1417): DATMSILDIS[Met1407Val]MTGFAPDTDD